The following is an entry in ClinVar:

ClinVar aggregate classification (germline): Uncertain significance (1 of 4 stars; one submission).

Conditions:
Episodic ataxia type 2 (EA2). Also called: ACETAZOLAMIDE-RESPONSIVE HEREDITARY PAROXYSMAL CEREBELLAR ATAXIA; ATAXIA, EPISODIC, WITH NYSTAGMUS; ATAXIA, FAMILIAL PAROXYSMAL; CEREBELLAR ATAXIA, PAROXYSMAL, ACETAZOLAMIDE-RESPONSIVE; CEREBELLOPATHY, HEREDITARY PAROXYSMAL; EPISODIC ATAXIA, NYSTAGMUS-ASSOCIATED. Identifiers: Orphanet 97, MedGen C1720416, MONDO:0007163, OMIM 108500.
Developmental and epileptic encephalopathy, 42 (DEE42A). Also called: Epileptic encephalopathy, early infantile, 42; DEVELOPMENTAL AND EPILEPTIC ENCEPHALOPATHY 42A; EPILEPTIC ENCEPHALOPATHY, EARLY INFANTILE, 42A. Identifiers: MedGen C4310716, MONDO:0014917, OMIM 617106.

Submission:

Labcorp Genetics (formerly Invitae), Labcorp
Classification: Uncertain significance for Developmental and epileptic encephalopathy, 42; Episodic ataxia type 2. Last evaluated: 2025-06-03. Review status: criteria provided, single submitter. Criteria: Invitae Variant Classification Sherloc (09022015). Collection method: clinical testing. Allele origin: germline.
Comment: This sequence change replaces proline, which is neutral and non-polar, with histidine, which is basic and polar, at codon 1861 of the CACNA1A protein (p.Pro1861His). This variant is not present in population databases (gnomAD no frequency). This variant has not been reported in the literature in individuals affected with CACNA1A-related conditions. Invitae Evidence Modeling of protein sequence and biophysical properties (such as structural, functional, and spatial information, amino acid conservation, physicochemical variation, residue mobility, and thermodynamic stability) has been performed for this missense variant. However, the output from this modeling did not meet the statistical confidence thresholds required to predict the impact of this variant on CACNA1A protein function. In summary, the available evidence is currently insufficient to determine the role of this variant in disease. Therefore, it has been classified as a Variant of Uncertain Significance.

NM_001127221.2(CACNA1A):c.5582C>A (p.Pro1861His)

Gene: CACNA1A (calcium voltage-gated channel subunit alpha1 A; minus strand). Cytogenetic location: 19p13.13.
Variant type: single nucleotide variant.
Coding change: c.5582C>A on transcript NM_001127221.2 (MANE Plus Clinical); coding-DNA position 5582, C replaced by A.
Protein change: p.Pro1861His; replaces proline 1861 with histidine.
Molecular consequence: missense variant. On other transcripts: intron variant (4).
Genome position (GRCh38, 1-based): chr19:13,228,745, G>T on the plus strand (C>A on the coding strand, the complement: CACNA1A is on the minus strand). VCF-style: chr19-13228745-G-T. GRCh37 (hg19) VCF-style: chr19-13339559-G-T.
Other names: c.5529-1218C>A (NM_001127222.2); c.5538-1218C>A (NM_001174080.2); c.5547-1218C>A (NM_000068.4, NM_023035.3); short protein forms P1861H.
Identifiers: ClinVar variation 4789714 (VCV004789714.1).
Genomic context (GRCh38, chr19:13,228,745, plus strand): 5'-AGTGGAAGTCAAACCTTGCAAGCAACCCTATGAGGACATTTCTTGCCTAAGCCGAGAGGG[G>T]GAGATATTACTCGTAATAAACTGTACATATCCTTATAATGAATCCGACCGCTGAAAGGAG-3'
Protein context (NP_001120693.1, residues 1851-1871): DMYSLLRVIS[Pro1861His]PLGLGKKCPH